The following is an entry in ClinVar:

NM_000535.7(PMS2):c.988+4A>C

Gene: PMS2 (PMS1 homolog 2, mismatch repair system component; minus strand). Cytogenetic location: 7p22.1.
Variant type: single nucleotide variant.
Coding change: c.988+4A>C on transcript NM_000535.7 (MANE Select); 4 bases into the intron after coding-DNA position 988, A replaced by C.
Molecular consequence: intron variant.
Genome position (GRCh38, 1-based): chr7:5,991,969, T>G on the plus strand (A>C on the coding strand, the complement: PMS2 is on the minus strand). VCF-style: chr7-5991969-T-G. GRCh37 (hg19) VCF-style: chr7-6031600-T-G.
Other names: c.670+4A>C (NM_001322008.2, NM_001322007.2); c.583+4A>C (NM_001322010.2, NM_001322004.2, NM_001322003.2 and 2 more transcripts); c.415+4A>C (NM_001322013.2); c.55+4A>C (NM_001322012.2, NM_001322011.2); c.679+4A>C (NM_001322015.2); c.988+4A>C (NM_001322006.2, NM_001322014.2).
Identifiers: ClinVar variation 650123 (VCV000650123.9), dbSNP rs763959308, ClinGen allele CA915944875.

ClinVar aggregate classification (germline): Uncertain significance. Review status: criteria provided, multiple submitters, no conflicts (2 of 4 stars). 2 submissions from 2 submitters: Uncertain significance (2). Last evaluated 2026-03-02.

Conditions:
Hereditary nonpolyposis colorectal neoplasms. Identifiers: MedGen C0009405, MeSH D003123.
Hereditary cancer-predisposing syndrome. Also called: Neoplastic Syndromes, Hereditary; Hereditary neoplastic syndrome; Tumor predisposition; Hereditary Cancer Syndrome. Identifiers: Orphanet 140162, MedGen C0027672, MeSH D009386, MONDO:0015356.

Submissions (2):

Ambry Genetics
Classification: Uncertain significance for Hereditary cancer-predisposing syndrome. Last evaluated: 2026-03-02. Review status: criteria provided, single submitter. Criteria: Ambry Variant Classification Scheme 2023. Collection method: clinical testing. Allele origin: germline.
Comment: The c.988+4A>C intronic variant results from an A to C substitution 4 nucleotides after coding exon 9 in the PMS2 gene. This nucleotide position is well conserved in available vertebrate species. In silico splice site analysis for this alteration is inconclusive. Based on the available evidence, the clinical significance of this variant remains unclear.

Labcorp Genetics (formerly Invitae), Labcorp
Classification: Uncertain significance for Hereditary nonpolyposis colorectal neoplasms. Last evaluated: 2019-11-01. Review status: criteria provided, single submitter. Criteria: Invitae Variant Classification Sherloc (09022015). Collection method: clinical testing. Allele origin: germline.
Comment: In summary, the available evidence is currently insufficient to determine the role of this variant in disease. Therefore, it has been classified as a Variant of Uncertain Significance. Nucleotide substitutions within the consensus splice site are a relatively common cause of aberrant splicing (PMID: 17576681, 9536098). Algorithms developed to predict the effect of sequence changes on RNA splicing suggest that this variant is not likely to affect RNA splicing, but this prediction has not been confirmed by published transcriptional studies. This variant has not been reported in the literature in individuals with PMS2-related disease. This variant is not present in population databases (ExAC no frequency). This sequence change falls in intron 9 of the PMS2 gene. It does not directly change the encoded amino acid sequence of the PMS2 protein, but it affects a nucleotide within the consensus splice site of the intron.

Literature cited by the submitters: PubMed 17576681 (cited by Labcorp Genetics (formerly Invitae), Labcorp); PubMed 9536098 (cited by Labcorp Genetics (formerly Invitae), Labcorp).